The following is an entry in ClinVar:

NM_003172.4(SURF1):c.40G>A (p.Ala14Thr)

Gene: SURF1 (SURF1 cytochrome c oxidase assembly factor; minus strand). Cytogenetic location: 9q34.2.
Variant type: single nucleotide variant.
Coding change: c.40G>A on transcript NM_003172.4 (MANE Select); coding-DNA position 40, G replaced by A.
Protein change: p.Ala14Thr; replaces alanine 14 with threonine.
Molecular consequence: missense variant. On other transcripts: 5 prime UTR variant (1).
Genome position (GRCh38, 1-based): chr9:133,356,414, C>T on the plus strand (G>A on the coding strand, the complement: SURF1 is on the minus strand). VCF-style: chr9-133356414-C-T. GRCh37 (hg19) VCF-style: chr9-136223290-C-T.
Other names: p.A14T:GCG>ACG; c.-236G>A (NM_001280787.1); short protein forms A14T.
Identifiers: ClinVar variation 215229 (VCV000215229.8), dbSNP rs863224224, ClinGen allele CA323176.

ClinVar aggregate classification (germline): Conflicting classifications of pathogenicity. Review status: criteria provided, conflicting classifications (1 of 4 stars). 4 submissions from 4 submitters: Uncertain significance (3); Likely benign (1). Last evaluated 2025-10-27.

Conditions:
Inborn genetic diseases. Identifiers: MedGen C0950123, MeSH D030342.
Leigh syndrome (NULS). Also called: Subacute necrotizing encephalopathy; Necrotizing encephalopathy infantile subacute of Leigh; Leigh's syndrome; Leigh Disease; LEIGH SYNDROME, NUCLEAR; Leigh's necrotizing encephalopathy. Identifiers: Orphanet 506, MedGen C2931891, MONDO:0009723, OMIM 256000.

Allele frequency attached by ClinVar (database versions not stated): gnomAD exomes below 0.00001 and 0.00002; TOPMed below 0.00001; gnomAD 0.00001.
gnomAD v4.1: 3 of 1,383,912 alleles (0.00022%); highest among the groups gnomAD compares: Non-Finnish European, 0.00028%; no homozygotes.

Submissions (4):

Women's Health and Genetics/Laboratory Corporation of America, LabCorp
Classification: Uncertain significance. Last evaluated: 2025-10-27. Review status: criteria provided, single submitter. Criteria: LabCorp Variant Classification Summary - May 2015. Collection method: clinical testing. Allele origin: germline.
Comment: Variant summary: SURF1 c.40G>A (p.Ala14Thr) results in a non-conservative amino acid change in the encoded protein sequence. Algorithms developed to predict the effect of missense changes on protein structure and function are either unavailable or do not agree on the potential impact of this missense change. The variant allele was found at a frequency of 2.4e-05 in 41302 control chromosomes. The available data on variant occurrences in the general population are insufficient to allow any conclusion about variant significance. To our knowledge, no occurrence of c.40G>A in individuals affected with SURF1-related conditions and no experimental evidence demonstrating its impact on protein function have been reported. ClinVar contains an entry for this variant (Variation ID: 215229). Based on the evidence outlined above, the variant was classified as uncertain significance.

Ambry Genetics
Classification: Uncertain significance for Inborn genetic diseases. Last evaluated: 2023-12-07. Review status: criteria provided, single submitter. Criteria: Ambry Variant Classification Scheme 2023. Collection method: clinical testing. Allele origin: germline.

Labcorp Genetics (formerly Invitae), Labcorp
Classification: Uncertain significance for Leigh syndrome. Last evaluated: 2021-09-02. Review status: criteria provided, single submitter. Criteria: Invitae Variant Classification Sherloc (09022015). Collection method: clinical testing. Allele origin: germline.
Comment: This sequence change replaces alanine with threonine at codon 14 of the SURF1 protein (p.Ala14Thr). The alanine residue is weakly conserved and there is a small physicochemical difference between alanine and threonine. The frequency data for this variant in the population databases is considered unreliable, as metrics indicate insufficient coverage at this position in the ExAC database. This variant has not been reported in the literature in individuals affected with SURF1-related conditions. ClinVar contains an entry for this variant (Variation ID: 215229). Algorithms developed to predict the effect of missense changes on protein structure and function are either unavailable or do not agree on the potential impact of this missense change (SIFT: "Tolerated"; PolyPhen-2: "Not Available"; Align-GVGD: "Class C0"). In summary, the available evidence is currently insufficient to determine the role of this variant in disease. Therefore, it has been classified as a Variant of Uncertain Significance.

GeneDx
Classification: Likely benign. Last evaluated: 2012-08-03. Review status: criteria provided, single submitter. Criteria: GeneDx Variant Classification (06012015). Collection method: clinical testing. Allele origin: germline. Affected: yes.
Comment: This variant is considered likely benign or benign based on one or more of the following criteria: it is a conservative change, it occurs at a poorly conserved position in the protein, it is predicted to be benign by multiple in silico algorithms, and/or has population frequency not consistent with disease.